The following is an entry in ClinVar:

ClinVar aggregate classification (germline): Benign. Review status: criteria provided, multiple submitters, no conflicts (2 of 4 stars). 5 submissions from 5 submitters: Benign (5). Last evaluated 2026-02-04.

Conditions:
Hyperalphalipoproteinemia 1 (HALP1). Also called: CETP-Related Hyperalphalipoproteinemia; CETP DEFICIENCY. Identifiers: MedGen C3149462, OMIM 143470.

Allele frequency attached by ClinVar (database versions not stated): 1000 Genomes Project 0.02636; gnomAD 0.02796 and 0.02831; 1000 Genomes Project 30x 0.02842; ESP Exome Variant Server 0.02855; TOPMed 0.03121; ExAC 0.03525; gnomAD exomes 0.03738.
gnomAD v4.1: 57,161 of 1,613,998 alleles (3.5%); highest among the groups gnomAD compares: Admixed American, 9.2%; 1,371 homozygotes.

Submissions (5):

Labcorp Genetics (formerly Invitae), Labcorp
Classification: Benign. Last evaluated: 2026-02-04. Review status: criteria provided, single submitter. Criteria: Invitae Variant Classification Sherloc (09022015). Collection method: clinical testing. Allele origin: germline.

Mayo Clinic Laboratories, Mayo Clinic
Classification: Benign. Last evaluated: 2022-03-20. Review status: criteria provided, single submitter. Criteria: ACMG Guidelines, 2015. Collection method: clinical testing. Allele origin: germline. Observed: 41 variant alleles.
Comment: BA1

GeneDx
Classification: Benign. Last evaluated: 2019-03-25. Review status: criteria provided, single submitter. Criteria: GeneDx Variant Classification Process June 2021. Collection method: clinical testing. Allele origin: germline. Affected: yes.
Comment: This variant is associated with the following publications: (PMID: 24503134, 9253518, 28008009, 27060904, 29987113)

Illumina Laboratory Services, Illumina
Classification: Benign for Hyperalphalipoproteinemia 1. Last evaluated: 2018-03-06. Review status: criteria provided, single submitter. Criteria: ICSL Variant Classification Criteria 13 December 2019. Collection method: clinical testing. Allele origin: germline.
Comment: This variant was observed in the ICSL laboratory as part of a predisposition screen in an ostensibly healthy population. It had not been previously curated by ICSL or reported in the Human Gene Mutation Database (HGMD: prior to June 1st, 2018), and was therefore a candidate for classification through an automated scoring system. Utilizing variant allele frequency, disease prevalence and penetrance estimates, and inheritance mode, an automated score was calculated to assess if this variant is too frequent to cause the disease. Based on the score and internal cut-off values, a variant classified as benign is not then subjected to further curation. The score for this variant resulted in a classification of benign for this disease.

Breakthrough Genomics
Classification: Benign. Review status: criteria provided, single submitter. Criteria: ACMG Guidelines, 2015. Collection method: not provided. Allele origin: germline. Inheritance: Autosomal dominant inheritance. Affected: yes.

NM_000078.3(CETP):c.1403G>A (p.Arg468Gln)

Gene: CETP (cholesteryl ester transfer protein; plus strand). Cytogenetic location: 16q13.
Variant type: single nucleotide variant.
Coding change: c.1403G>A on transcript NM_000078.3 (MANE Select); coding-DNA position 1403, G replaced by A.
Protein change: p.Arg468Gln; replaces arginine 468 with glutamine.
Molecular consequence: missense variant.
Genome position (GRCh38, 1-based): chr16:56,983,407, G>A. VCF-style: chr16-56983407-G-A. GRCh37 (hg19) VCF-style: chr16-57017319-G-A.
Other names: c.1223G>A, p.Arg408Gln (NM_001286085.2); short protein forms R468Q, R408Q.
Identifiers: ClinVar variation 319999 (VCV000319999.15), dbSNP rs1800777, ClinGen allele CA8071376.